The following is an entry in ClinVar:

NM_147127.5(EVC2):c.1006-228C>T

Gene: EVC2 (EvC ciliary complex subunit 2; minus strand). Cytogenetic location: 4p16.2.
Variant type: single nucleotide variant.
Coding change: c.1006-228C>T on transcript NM_147127.5 (MANE Select); 228 bases into the intron before coding-DNA position 1006, C replaced by T.
Molecular consequence: intron variant.
Genome position (GRCh38, 1-based): chr4:5,663,474, G>A on the plus strand (C>T on the coding strand, the complement: EVC2 is on the minus strand). VCF-style: chr4-5663474-G-A. GRCh37 (hg19) VCF-style: chr4-5665201-G-A.
Other names: c.766-228C>T (NM_001166136.2).
Identifiers: ClinVar variation 671282 (VCV000671282.1), dbSNP rs4689273, ClinGen allele CA15341072.

ClinVar aggregate classification (germline): Benign (1 of 4 stars; one submission).

Allele frequency attached by ClinVar (database versions not stated): TOPMed 0.34377; gnomAD 0.34453 and 0.34960; 1000 Genomes Project 30x 0.34760; 1000 Genomes Project 0.35304.

Submission:

GeneDx
Classification: Benign. Last evaluated: 2018-06-14. Review status: criteria provided, single submitter. Criteria: GeneDx Variant Classification (06012015). Collection method: clinical testing. Allele origin: germline. Affected: yes.
Comment: This variant is considered likely benign or benign based on one or more of the following criteria: it is a conservative change, it occurs at a poorly conserved position in the protein, it is predicted to be benign by multiple in silico algorithms, and/or has population frequency not consistent with disease.